The following is an entry in ClinVar:

ClinVar aggregate classification (germline): Likely benign (0 of 4 stars; one submission).

Conditions:
PALS1-related disorder. Also called: PALS1-related condition.

Allele frequency attached by ClinVar (database versions not stated): gnomAD 0.00016; ExAC 0.00070; 1000 Genomes Project 30x 0.00094; 1000 Genomes Project 0.00100.
gnomAD v4.1: 394 of 1,611,088 alleles (0.024%); highest among the groups gnomAD compares: South Asian, 0.4%; 8 homozygotes.

Submission:

PreventionGenetics, part of Exact Sciences
Classification: Likely benign for PALS1-related condition. Last evaluated: 2024-01-09. Review status: no assertion criteria provided. Collection method: clinical testing. Allele origin: germline.
Comment: This variant is classified as likely benign based on ACMG/AMP sequence variant interpretation guidelines (Richards et al. 2015 PMID: 25741868, with internal and published modifications).

NM_022474.4(PALS1):c.620A>C (p.Glu207Ala)

Genes: GPHN (gephyrin; plus strand), PALS1 (protein associated with LIN7 1, MAGUK p55 family member; plus strand). Cytogenetic location: 14q23.3.
Variant type: single nucleotide variant.
Coding change: c.620A>C on transcript NM_022474.4 (MANE Select); coding-DNA position 620, A replaced by C.
Protein change: p.Glu207Ala; replaces glutamic acid 207 with alanine.
Molecular consequence: missense variant.
Genome position (GRCh38, 1-based): chr14:67,301,432, A>C. VCF-style: chr14-67301432-A-C. GRCh37 (hg19) VCF-style: chr14-67768149-A-C.
Other names: c.518A>C, p.Glu173Ala (NM_001256550.2); short protein forms E173A, E207A.
Identifiers: ClinVar variation 3035058 (VCV003035058.2), dbSNP rs549665024, ClinGen allele CA7234795.